The following is an entry in ClinVar:

NM_006208.3(ENPP1):c.*1972G>C

Gene: ENPP1 (ectonucleotide pyrophosphatase/phosphodiesterase 1; plus strand). Cytogenetic location: 6q23.2.
Variant type: single nucleotide variant.
Coding change: c.*1972G>C on transcript NM_006208.3 (MANE Select); 1972 bases downstream of the stop codon, G replaced by C.
Molecular consequence: 3 prime UTR variant.
Genome position (GRCh38, 1-based): chr6:131,892,483, G>C. VCF-style: chr6-131892483-G-C. GRCh37 (hg19) VCF-style: chr6-132213623-G-C.
Identifiers: ClinVar variation 355398 (VCV000355398.5), dbSNP rs1931006, ClinGen allele CA10622959.

ClinVar aggregate classification (germline): Benign. Review status: criteria provided, single submitter (1 of 4 stars). 2 submissions from 1 submitter: Benign (2). Last evaluated 2018-01-13.

Conditions:
Hypophosphatemic rickets, autosomal recessive, 2 (ARHR2). Identifiers: Orphanet 289176, MedGen C2750078, MONDO:0013219, OMIM 613312.
Arterial calcification, generalized, of infancy, 1 (GACI1). Also called: Idiopathic Infantile Arterial Calcification. Identifiers: Orphanet 51608, MedGen C4551985, MONDO:0008817, OMIM 208000.

Allele frequency attached by ClinVar (database versions not stated): gnomAD exomes 0.33333; gnomAD 0.57219 and 0.57374; TOPMed 0.59056; 1000 Genomes Project 0.64756; 1000 Genomes Project 30x 0.65896.
gnomAD v4.1: 86,919 of 151,976 alleles (57%); highest among the groups gnomAD compares: African/African-American, 87%; 27,912 homozygotes.

Submissions (2):

Illumina Laboratory Services, Illumina
Classification: Benign for Hypophosphatemic rickets, autosomal recessive, 2. Last evaluated: 2018-01-13. Review status: criteria provided, single submitter. Criteria: ICSL Variant Classification Criteria 13 December 2019. Collection method: clinical testing. Allele origin: germline.
Comment: This variant was observed in the ICSL laboratory as part of a predisposition screen in an ostensibly healthy population. It had not been previously curated by ICSL or reported in the Human Gene Mutation Database (HGMD: prior to June 1st, 2018), and was therefore a candidate for classification through an automated scoring system. Utilizing variant allele frequency, disease prevalence and penetrance estimates, and inheritance mode, an automated score was calculated to assess if this variant is too frequent to cause the disease. Based on the score and internal cut-off values, a variant classified as benign is not then subjected to further curation. The score for this variant resulted in a classification of benign for this disease.

Illumina Laboratory Services, Illumina
Classification: Benign for Arterial calcification, generalized, of infancy, 1. Last evaluated: 2018-01-13. Review status: criteria provided, single submitter. Criteria: ICSL Variant Classification Criteria 13 December 2019. Collection method: clinical testing. Allele origin: germline.
Comment: the same text as in the submission from Illumina Laboratory Services, Illumina above.